The following is an entry in ClinVar:

NM_016341.4(PLCE1):c.5458+10C>G

Gene: PLCE1 (phospholipase C epsilon 1; plus strand). Cytogenetic location: 10q23.33.
Variant type: single nucleotide variant.
Coding change: c.5458+10C>G on transcript NM_016341.4 (MANE Select); 10 bases into the intron after coding-DNA position 5458, C replaced by G.
Molecular consequence: intron variant.
Genome position (GRCh38, 1-based): chr10:94,298,679, C>G. VCF-style: chr10-94298679-C-G. GRCh37 (hg19) VCF-style: chr10-96058436-C-G.
Other names: p.?; c.5410+10C>G (NM_001288989.2); c.4534+10C>G (NM_001165979.2); c.5458+10C>G (NM_016341.3).
Identifiers: ClinVar variation 2892702 (VCV002892702.6), dbSNP rs771965999, ClinGen allele CA5613361.

ClinVar aggregate classification (germline): Likely benign. Review status: criteria provided, multiple submitters, no conflicts (2 of 4 stars). 3 submissions from 3 submitters: Likely benign (2). 1 of the submissions does not count toward it. Last evaluated 2024-12-26.

Conditions:
PLCE1-related disorder. Also called: PLCE1-related condition.

Allele frequency attached by ClinVar (database versions not stated): gnomAD 0.00007; TOPMed 0.00013.
gnomAD v4.1: 20 of 1,613,874 alleles (0.0012%); highest among the groups gnomAD compares: Admixed American, 0.025%; no homozygotes.

Submissions (3):

Mayo Clinic Laboratories, Mayo Clinic
Classification: Likely benign. Last evaluated: 2024-12-26. Review status: criteria provided, single submitter. Criteria: ACMG Guidelines, 2015. Collection method: clinical testing. Allele origin: germline. Observed: 1 variant allele.
Comment: BP4, BP7

Labcorp Genetics (formerly Invitae), Labcorp
Classification: Likely benign. Last evaluated: 2022-12-18. Review status: criteria provided, single submitter. Criteria: Invitae Variant Classification Sherloc (09022015). Collection method: clinical testing. Allele origin: germline.

PreventionGenetics, part of Exact Sciences
Classification: Likely benign for PLCE1-related condition. Last evaluated: 2021-09-29. Review status: no assertion criteria provided. Collection method: clinical testing. Allele origin: germline. Not counted in ClinVar's aggregate classification.
Comment: This variant is classified as likely benign based on ACMG/AMP sequence variant interpretation guidelines (Richards et al. 2015 PMID: 25741868, with internal and published modifications).